The following is an entry in ClinVar:

ClinVar aggregate classification (germline): Benign/Likely benign. Review status: criteria provided, multiple submitters, no conflicts (2 of 4 stars). 3 submissions from 3 submitters: Benign (1); Likely benign (2). Last evaluated 2025-05-05.

Conditions:
Tuberous sclerosis 2 (TSC2). Identifiers: Orphanet 805, MedGen C1860707, MONDO:0013199, OMIM 613254.
Hereditary cancer-predisposing syndrome. Also called: Neoplastic Syndromes, Hereditary; Tumor predisposition; Hereditary neoplastic syndrome; Hereditary Cancer Syndrome. Identifiers: Orphanet 140162, MedGen C0027672, MeSH D009386, MONDO:0015356.

Submissions (3):

Myriad Genetics, Inc.
Classification: Benign for Tuberous sclerosis 2. Last evaluated: 2025-05-05. Review status: criteria provided, single submitter. Criteria: Myriad Autosomal Dominant, Autosomal Recessive and X-Linked Classification Criteria (2023). Collection method: clinical testing. Allele origin: unknown.
Comment: This variant is considered benign. This variant is a silent/synonymous amino acid change and it is not expected to impact splicing.

Labcorp Genetics (formerly Invitae), Labcorp
Classification: Likely benign for Tuberous sclerosis 2. Last evaluated: 2025-03-26. Review status: criteria provided, single submitter. Criteria: Invitae Variant Classification Sherloc (09022015). Collection method: clinical testing. Allele origin: germline.

Ambry Genetics
Classification: Likely benign for Hereditary cancer-predisposing syndrome. Last evaluated: 2024-05-04. Review status: criteria provided, single submitter. Criteria: Ambry Variant Classification Scheme 2023. Collection method: clinical testing. Allele origin: germline.

NM_000548.5(TSC2):c.381C>T (p.Ile127=)

Gene: TSC2 (TSC complex subunit 2; plus strand). Cytogenetic location: 16p13.3.
Variant type: single nucleotide variant.
Coding change: c.381C>T on transcript NM_000548.5 (MANE Select); coding-DNA position 381, C replaced by T.
Protein change: p.Ile127=; no amino-acid change (isoleucine 127 retained).
Molecular consequence: synonymous variant. On other transcripts: 5 prime UTR variant (14), non-coding transcript variant (5), intron variant (6).
Genome position (GRCh38, 1-based): chr16:2,054,340, C>T. VCF-style: chr16-2054340-C-T. GRCh37 (hg19) VCF-style: chr16-2104341-C-T.
Other names: c.381C>T, p.Ile127= (NM_001077183.3, NM_001114382.3, NM_001363528.2 and 8 more transcripts); c.270C>T, p.Ile90= (NM_001318827.2, NM_001406670.1, NM_001406678.1); c.234C>T, p.Ile78= (NM_001318829.2, NM_001406675.1, NM_001406676.1 and 1 more transcripts); c.414C>T, p.Ile138= (NM_001318832.2); c.471C>T, p.Ile157= (NM_001406667.1, NM_001406668.1); c.324C>T, p.Ile108= (NM_001406677.1); c.-436C>T (NM_001406680.1, NM_001406683.1, NM_001406687.1); c.-65C>T (NM_001406681.1); and 6 more.
Identifiers: ClinVar variation 2894656 (VCV002894656.5), dbSNP rs2085502591, ClinGen allele CA492955381.